The following is an entry in ClinVar:

NM_024408.4(NOTCH2):c.4511+13C>T

Gene: NOTCH2 (notch receptor 2; minus strand). Cytogenetic location: 1p12.
Variant type: single nucleotide variant.
Coding change: c.4511+13C>T on transcript NM_024408.4 (MANE Select); 13 bases into the intron after coding-DNA position 4511, C replaced by T.
Molecular consequence: intron variant.
Genome position (GRCh38, 1-based): chr1:119,925,292, G>A on the plus strand (C>T on the coding strand, the complement: NOTCH2 is on the minus strand). VCF-style: chr1-119925292-G-A. GRCh37 (hg19) VCF-style: chr1-120467915-G-A.
Identifiers: ClinVar variation 3585113 (VCV003585113.4).

ClinVar aggregate classification (germline): Likely benign. Review status: criteria provided, multiple submitters, no conflicts (2 of 4 stars). 3 submissions from 3 submitters: Likely benign (3). Last evaluated 2025-11-20.

Conditions:
Hajdu-Cheney syndrome (HJCYS). Also called: ACROOSTEOLYSIS WITH OSTEOPOROSIS AND CHANGES IN SKULL AND MANDIBLE; Acroosteolysis dominant type; SERPENTINE FIBULA-POLYCYSTIC KIDNEY SYNDROME. Identifiers: Orphanet 955, MedGen C0917715, MONDO:0007057, OMIM 102500.
Alagille syndrome due to a NOTCH2 point mutation. Also called: Alagille syndrome 2. Identifiers: Orphanet 261629, Orphanet 52, MedGen C1857761, MONDO:0012439, OMIM 610205.

gnomAD v4.1: 97 of 1,613,072 alleles (0.006%); highest among the groups gnomAD compares: South Asian, 0.09%; no homozygotes.

Submissions (3):

Labcorp Genetics (formerly Invitae), Labcorp
Classification: Likely benign for Hajdu-Cheney syndrome. Last evaluated: 2025-11-20. Review status: criteria provided, single submitter. Criteria: Invitae Variant Classification Sherloc (09022015). Collection method: clinical testing. Allele origin: germline.

Women's Health and Genetics/Laboratory Corporation of America, LabCorp
Classification: Likely benign. Last evaluated: 2025-05-06. Review status: criteria provided, single submitter. Criteria: LabCorp Variant Classification Summary - May 2015. Collection method: clinical testing. Allele origin: germline.
Comment: Variant summary: NOTCH2 c.4511+13C>T alters a non-conserved nucleotide located at a position not widely known to affect splicing. Consensus agreement among computation tools predict no significant impact on normal splicing. However, these predictions have yet to be confirmed by functional studies. The variant allele was found at a frequency of 0.00011 in 251428 control chromosomes. This frequency is not significantly higher than estimated for a pathogenic variant in NOTCH2 causing Hajdu-Cheney Syndrome, allowing no conclusion about variant significance. To our knowledge, no occurrence of c.4511+13C>T in individuals affected with Hajdu-Cheney Syndrome and no experimental evidence demonstrating its impact on protein function have been reported. ClinVar contains an entry for this variant (Variation ID: 3585113). Based on the evidence outlined above, the variant was classified as likely benign.

Fulgent Genetics
Classification: Likely benign for Hajdu-Cheney syndrome; Alagille syndrome due to a NOTCH2 point mutation. Last evaluated: 2024-06-06. Review status: criteria provided, single submitter. Criteria: ACMG Guidelines, 2015. Collection method: clinical testing. Allele origin: germline.